The following is an entry in ClinVar:

NM_001161352.2(KCNMA1):c.3652C>T (p.Arg1218Trp)

Gene: KCNMA1 (potassium calcium-activated channel subfamily M alpha 1; minus strand). Cytogenetic location: 10q22.3.
Variant type: single nucleotide variant.
Coding change: c.3652C>T on transcript NM_001161352.2 (MANE Select); coding-DNA position 3652, C replaced by T.
Protein change: p.Arg1218Trp; replaces arginine 1218 with tryptophan.
Molecular consequence: missense variant.
Genome position (GRCh38, 1-based): chr10:76,887,325, G>A on the plus strand (C>T on the coding strand, the complement: KCNMA1 is on the minus strand). VCF-style: chr10-76887325-G-A. GRCh37 (hg19) VCF-style: chr10-78647083-G-A.
Other names: c.3490C>T, p.Arg1164Trp (NM_001014797.3); c.3601C>T, p.Arg1201Trp (NM_001161353.2); c.3328C>T, p.Arg1110Trp (NM_001271518.2); c.3568C>T, p.Arg1190Trp (NM_001271519.2); c.3487C>T, p.Arg1163Trp (NM_001322829.2, NM_001322836.2); c.3580C>T, p.Arg1194Trp (NM_001322830.2); c.3478C>T, p.Arg1160Trp (NM_001322832.2, NM_002247.4); c.3571C>T, p.Arg1191Trp (NM_001322835.2, NM_001322837.2); and 1 more; short protein forms R1163W, R1201W, R1218W, R1009W, R1110W, R1160W, R1190W, R1164W.
Identifiers: ClinVar variation 848222 (VCV000848222.9), dbSNP rs201703516, ClinGen allele CA5567795.

ClinVar aggregate classification (germline): Uncertain significance. Review status: criteria provided, multiple submitters, no conflicts (2 of 4 stars). 2 submissions from 2 submitters: Uncertain significance (2). Last evaluated 2025-06-04.

Conditions:
Epilepsy, idiopathic generalized, susceptibility to, 16. Identifiers: MedGen C5231421, MONDO:0032827, OMIM 618596.
Cerebellar atrophy, developmental delay, and seizures. Identifiers: MedGen C4539985, MONDO:0060551, OMIM 617643.
Generalized epilepsy-paroxysmal dyskinesia syndrome (PNKD3). Also called: Paroxysmal nonkinesigenic dyskinesia, 3, with or without generalized epilepsy; Generalized epilepsy and paroxysmal dyskinesia. Identifiers: Orphanet 79137, MedGen C5574945, MONDO:0012276, OMIM 609446.
Liang-Wang syndrome. Identifiers: Orphanet 664438, MedGen C5231479, MONDO:0032886, OMIM 618729.

Allele frequency attached by ClinVar (database versions not stated): gnomAD exomes below 0.00001; ExAC 0.00001.
gnomAD v4.1: 6 of 1,614,074 alleles (0.00037%); highest among the groups gnomAD compares: South Asian, 0.0011%; no homozygotes.

Submissions (2):

Labcorp Genetics (formerly Invitae), Labcorp
Classification: Uncertain significance for Generalized epilepsy-paroxysmal dyskinesia syndrome. Last evaluated: 2025-06-04. Review status: criteria provided, single submitter. Criteria: Invitae Variant Classification Sherloc (09022015). Collection method: clinical testing. Allele origin: germline.
Comment: This sequence change replaces arginine, which is basic and polar, with tryptophan, which is neutral and slightly polar, at codon 1160 of the KCNMA1 protein (p.Arg1160Trp). This variant is present in population databases (rs201703516, gnomAD 0.0009%). This missense change has been observed in individual(s) with clinical features of KCNMA1-related conditions (internal data). ClinVar contains an entry for this variant (Variation ID: 848222). An algorithm developed to predict the effect of missense changes on protein structure and function (PolyPhen-2) suggests that this variant is likely to be disruptive. In summary, the available evidence is currently insufficient to determine the role of this variant in disease. Therefore, it has been classified as a Variant of Uncertain Significance.

Juno Genomics, Hangzhou Juno Genomics, Inc
Classification: Uncertain significance for Epilepsy, idiopathic generalized, susceptibility to, 16; Cerebellar atrophy, developmental delay, and seizures; Liang-Wang syndrome; Generalized epilepsy-paroxysmal dyskinesia syndrome. Review status: criteria provided, single submitter. Criteria: ACMG Guidelines, 2015. Collection method: clinical testing. Allele origin: germline.
Comment: Absent from controls (or at extremely low frequency if recessive) in Genome Aggregation Database.;Missense variant in a gene that has a low rate of benign missense variation.